The following is an entry in ClinVar:

NM_001384140.1(PCDH15):c.4213C>T (p.Arg1405Cys)

Gene: PCDH15 (protocadherin related 15; minus strand). Cytogenetic location: 10q21.1.
Variant type: single nucleotide variant.
Coding change: c.4213C>T on transcript NM_001384140.1 (MANE Select); coding-DNA position 4213, C replaced by T.
Protein change: p.Arg1405Cys; replaces arginine 1405 with cysteine.
Molecular consequence: missense variant.
Genome position (GRCh38, 1-based): chr10:53,827,547, G>A on the plus strand (C>T on the coding strand, the complement: PCDH15 is on the minus strand). VCF-style: chr10-53827547-G-A. GRCh37 (hg19) VCF-style: chr10-55587307-G-A.
Other names: c.4228C>T, p.Arg1410Cys (NM_001142763.2, NM_001142771.2); c.4213C>T, p.Arg1405Cys (NM_001142764.2, NM_001142770.3, NM_001142772.2 and 3 more transcripts); c.4000C>T, p.Arg1334Cys (NM_001142765.2); c.4204C>T, p.Arg1402Cys (NM_001142766.2); c.4093C>T, p.Arg1365Cys (NM_001142767.2); c.4147C>T, p.Arg1383Cys (NM_001142768.2, NM_001354404.2); c.4249C>T, p.Arg1417Cys (NM_001142769.4); c.4138C>T, p.Arg1380Cys (NM_001142773.2); and 1 more; short protein forms R1383C, R1402C, R1380C, R1334C, R1365C, R1405C, R1410C, R1412C.
Identifiers: ClinVar variation 1983077 (VCV001983077.1), dbSNP rs148046721, ClinGen allele CA5505400.

ClinVar aggregate classification (germline): Uncertain significance (1 of 4 stars; one submission).

Allele frequency attached by ClinVar (database versions not stated): gnomAD 0.00001; ESP Exome Variant Server 0.00008.
gnomAD v4.1: 5 of 1,613,972 alleles (0.00031%); highest among the groups gnomAD compares: Admixed American, 0.0017%; no homozygotes.

Submission:

Labcorp Genetics (formerly Invitae), Labcorp
Classification: Uncertain significance. Last evaluated: 2022-07-11. Review status: criteria provided, single submitter. Criteria: Invitae Variant Classification Sherloc (09022015). Collection method: clinical testing. Allele origin: germline.
Comment: This sequence change replaces arginine, which is basic and polar, with cysteine, which is neutral and slightly polar, at codon 1405 of the PCDH15 protein (p.Arg1405Cys). This variant is present in population databases (rs148046721, gnomAD 0.007%). This variant has not been reported in the literature in individuals affected with PCDH15-related conditions. Algorithms developed to predict the effect of missense changes on protein structure and function are either unavailable or do not agree on the potential impact of this missense change (SIFT: "Deleterious"; PolyPhen-2: "Benign"; Align-GVGD: "Class C0"). In summary, the available evidence is currently insufficient to determine the role of this variant in disease. Therefore, it has been classified as a Variant of Uncertain Significance.